The following is an entry in ClinVar:

ClinVar aggregate classification (germline): Uncertain significance (1 of 4 stars; one submission).

Conditions:
Charcot-Marie-Tooth disease type 4. Also called: Charcot-Marie-Tooth, Type 4; Charcot-Marie-Tooth disease, type IV. Identifiers: Orphanet 64749, MedGen C4082197, MONDO:0018995.

Allele frequency attached by ClinVar (database versions not stated): TOPMed 0.00003; ExAC 0.00015.

Submission:

Labcorp Genetics (formerly Invitae), Labcorp
Classification: Uncertain significance for Charcot-Marie-Tooth disease type 4. Last evaluated: 2024-02-17. Review status: criteria provided, single submitter. Criteria: Invitae Variant Classification Sherloc (09022015). Collection method: clinical testing. Allele origin: germline.
Comment: This sequence change replaces arginine, which is basic and polar, with glutamine, which is neutral and polar, at codon 196 of the PRX protein (p.Arg196Gln). This variant is present in population databases (rs757381967, gnomAD 0.1%). This variant has not been reported in the literature in individuals affected with PRX-related conditions. ClinVar contains an entry for this variant (Variation ID: 1046430). An algorithm developed to predict the effect of missense changes on protein structure and function (PolyPhen-2) suggests that this variant¬†is likely to be tolerated. In summary, the available evidence is currently insufficient to determine the role of this variant in disease. Therefore, it has been classified as a Variant of Uncertain Significance.

NM_181882.3(PRX):c.587G>A (p.Arg196Gln)

Gene: PRX (periaxin; minus strand). Cytogenetic location: 19q13.2.
Variant type: single nucleotide variant.
Coding change: c.587G>A on transcript NM_181882.3 (MANE Select); coding-DNA position 587, G replaced by A.
Protein change: p.Arg196Gln; replaces arginine 196 with glutamine.
Molecular consequence: missense variant. On other transcripts: 3 prime UTR variant (1).
Genome position (GRCh38, 1-based): chr19:40,397,765, C>T on the plus strand (G>A on the coding strand, the complement: PRX is on the minus strand). VCF-style: chr19-40397765-C-T. GRCh37 (hg19) VCF-style: chr19-40903672-C-T.
Other names: c.*792G>A (NM_020956.2); short protein forms R196Q.
Identifiers: ClinVar variation 1046430 (VCV001046430.7), dbSNP rs757381967, ClinGen allele CA9444423.